The following is an entry in ClinVar:

NM_005359.6(SMAD4):c.1363C>T (p.Gln455Ter)

Gene: SMAD4 (SMAD family member 4; plus strand). Cytogenetic location: 18q21.2.
Variant type: single nucleotide variant.
Coding change: c.1363C>T on transcript NM_005359.6 (MANE Select); coding-DNA position 1363, C replaced by T.
Protein change: p.Gln455Ter; replaces glutamine 455 with a stop codon.
Molecular consequence: nonsense.
Genome position (GRCh38, 1-based): chr18:51,076,692, C>T. VCF-style: chr18-51076692-C-T. GRCh37 (hg19) VCF-style: chr18-48603062-C-T.
Other names: short protein forms Q455*.
Identifiers: ClinVar variation 646595 (VCV000646595.10), dbSNP rs1599204121, ClinGen allele CA402465223.

ClinVar aggregate classification (germline): Pathogenic (1 of 4 stars; one submission).

Conditions:
Juvenile polyposis syndrome (JPS). Identifiers: Orphanet 2929, MedGen C0345893, MONDO:0017380, OMIM 174900.

Submission:

Labcorp Genetics (formerly Invitae), Labcorp
Classification: Pathogenic for Juvenile polyposis syndrome. Last evaluated: 2022-08-22. Review status: criteria provided, single submitter. Criteria: Invitae Variant Classification Sherloc (09022015). Collection method: clinical testing. Allele origin: germline.
Comment: ClinVar contains an entry for this variant (Variation ID: 646595). For these reasons, this variant has been classified as Pathogenic. This sequence change creates a premature translational stop signal (p.Gln455*) in the SMAD4 gene. It is expected to result in an absent or disrupted protein product. Loss-of-function variants in SMAD4 are known to be pathogenic (PMID: 16152648, 16436638, 22810475). This variant is not present in population databases (gnomAD no frequency). This premature translational stop signal has been observed in individual(s) with juvenile polyposis syndrome (JPS) (PMID: 22810475).

Literature cited by the submitters: PubMed 16152648; PubMed 16436638; PubMed 22810475.